The following is an entry in ClinVar:

ClinVar aggregate classification (germline): Pathogenic (1 of 4 stars; one submission).

Allele frequency attached by ClinVar (database versions not stated): gnomAD exomes below 0.00001; TOPMed below 0.00001.
gnomAD v4.1: 1 of 1,613,952 alleles (0.000062%); highest among the groups gnomAD compares: Non-Finnish European, 0.000085%; no homozygotes.

Submission:

Labcorp Genetics (formerly Invitae), Labcorp
Classification: Pathogenic. Last evaluated: 2020-10-12. Review status: criteria provided, single submitter. Criteria: Invitae Variant Classification Sherloc (09022015). Collection method: clinical testing. Allele origin: germline.
Comment: This sequence change results in a premature translational stop signal in the LAMA3 gene (p.Trp1687*). While this is not anticipated to result in nonsense mediated decay, it is expected to disrupt the last 38 amino acid(s) of the LAMA3 protein. This variant is not present in population databases (ExAC no frequency). This variant has not been reported in the literature in individuals with LAMA3-related conditions. Algorithms developed to predict the effect of sequence changes on RNA splicing suggest that this variant may create or strengthen a splice site, but this prediction has not been confirmed by published transcriptional studies. This variant disrupts the C-terminus of the LAMA3 protein. Other variant(s) that disrupt this region (p.Ser1689*) have been determined to be pathogenic (PMID: 29797489). This suggests that variants that disrupt this region of the protein are likely to be causative of disease. For these reasons, this variant has been classified as Pathogenic.

Literature cited by the submitters: PubMed 29797489.

NM_198129.4(LAMA3):c.9887G>A (p.Trp3296Ter)

Gene: LAMA3 (laminin subunit alpha 3; plus strand). Cytogenetic location: 18q11.2.
Variant type: single nucleotide variant.
Coding change: c.9887G>A on transcript NM_198129.4 (MANE Select); coding-DNA position 9887, G replaced by A.
Protein change: p.Trp3296Ter; replaces tryptophan 3296 with a stop codon.
Molecular consequence: nonsense.
Genome position (GRCh38, 1-based): chr18:23,954,533, G>A. VCF-style: chr18-23954533-G-A. GRCh37 (hg19) VCF-style: chr18-21534497-G-A.
Other names: c.5060G>A, p.Trp1687Ter (NM_000227.6); c.9719G>A, p.Trp3240Ter (NM_001127717.4); c.4892G>A, p.Trp1631Ter (NM_001127718.4); short protein forms W1631*, W1687*, W3240*, W3296*.
Identifiers: ClinVar variation 1071950 (VCV001071950.9), dbSNP rs2083046669, ClinGen allele CA402054047.